The following is an entry in ClinVar:

NM_000038.6(APC):c.818C>G (p.Thr273Ser)

Gene: APC (APC regulator of Wnt signaling pathway; plus strand). Cytogenetic location: 5q22.2.
Variant type: single nucleotide variant.
Coding change: c.818C>G on transcript NM_000038.6 (MANE Select); coding-DNA position 818, C replaced by G.
Protein change: p.Thr273Ser; replaces threonine 273 with serine.
Molecular consequence: missense variant. On other transcripts: 5 prime UTR variant (1).
Genome position (GRCh38, 1-based): chr5:112,801,367, C>G. VCF-style: chr5-112801367-C-G. GRCh37 (hg19) VCF-style: chr5-112137064-C-G.
Other names: c.818C>G, p.Thr273Ser (NM_001127510.3, NM_001354895.2, NM_001354896.2 and 1 more transcripts); c.764C>G, p.Thr255Ser (NM_001127511.3); c.848C>G, p.Thr283Ser (NM_001354897.2, NM_001354902.2); c.743C>G, p.Thr248Ser (NM_001354898.2, NM_001354904.2); c.734C>G, p.Thr245Ser (NM_001354899.2); c.641C>G, p.Thr214Ser (NM_001354900.2, NM_001354901.2, NM_001354905.2); c.-218C>G (NM_001354906.2); short protein forms T255S, T283S, T248S, T214S, T245S, T273S.
Identifiers: ClinVar variation 827494 (VCV000827494.7), dbSNP rs1580455456, ClinGen allele CA16023118.
Genomic context (GRCh38, chr5:112,801,367, plus strand): 5'-GCTCACATGATGCTGAGCGGCAGAATGAAGGTCAAGGAGTGGGAGAAATCAACATGGCAA[C>G]TTCTGGTAATGGTCAGGTAAATAAATTATTTTATCATATTTTTTAAAATTATTTAAATAT-3'
Protein context (NP_000029.2, residues 263-283): GQGVGEINMA[Thr273Ser]SGNGQGSTTR

ClinVar aggregate classification (germline): Uncertain significance. Review status: criteria provided, multiple submitters, no conflicts (2 of 4 stars). 3 submissions from 3 submitters: Uncertain significance (3). Last evaluated 2024-06-10.

Conditions:
Hereditary cancer-predisposing syndrome. Also called: Neoplastic Syndromes, Hereditary; Tumor predisposition; Hereditary neoplastic syndrome; Hereditary Cancer Syndrome. Identifiers: Orphanet 140162, MedGen C0027672, MeSH D009386, MONDO:0015356.
Familial adenomatous polyposis 1 (FAP1). Also called: POLYPOSIS, ADENOMATOUS INTESTINAL; FAMILIAL ADENOMATOUS POLYPOSIS 1, ATTENUATED. Identifiers: MedGen C2713442, MONDO:0021056, OMIM 175100. Disease mechanism: loss of function.

Submissions (3):

Labcorp Genetics (formerly Invitae), Labcorp
Classification: Uncertain significance for Familial adenomatous polyposis 1. Last evaluated: 2024-06-10. Review status: criteria provided, single submitter. Criteria: Invitae Variant Classification Sherloc (09022015). Collection method: clinical testing. Allele origin: germline.
Comment: This sequence change replaces threonine, which is neutral and polar, with serine, which is neutral and polar, at codon 273 of the APC protein (p.Thr273Ser). This variant is not present in population databases (gnomAD no frequency). This variant has not been reported in the literature in individuals affected with APC-related conditions. ClinVar contains an entry for this variant (Variation ID: 827494). Advanced modeling of protein sequence and biophysical properties (such as structural, functional, and spatial information, amino acid conservation, physicochemical variation, residue mobility, and thermodynamic stability) performed at Invitae indicates that this missense variant is not expected to disrupt APC protein function with a negative predictive value of 95%. In summary, the available evidence is currently insufficient to determine the role of this variant in disease. Therefore, it has been classified as a Variant of Uncertain Significance.

Baylor Genetics
Classification: Uncertain significance for Familial adenomatous polyposis 1. Last evaluated: 2023-07-13. Review status: criteria provided, single submitter. Criteria: ACMG Guidelines, 2015. Collection method: clinical testing. Allele origin: unknown.

Ambry Genetics
Classification: Uncertain significance for Hereditary cancer-predisposing syndrome. Last evaluated: 2019-03-12. Review status: criteria provided, single submitter. Criteria: Ambry Variant Classification Scheme 2023. Collection method: clinical testing. Allele origin: germline.
Comment: The p.T273S variant (also known as c.818C>G), located in coding exon 7 of the APC gene, results from a C to G substitution at nucleotide position 818. The threonine at codon 273 is replaced by serine, an amino acid with similar properties. This amino acid position is not well conserved in available vertebrate species. In addition, in silico predictors for this gene do not accurately predict pathogenicity. Since supporting evidence is limited at this time, the clinical significance of this alteration remains unclear.